The following is an entry in ClinVar:

NM_152866.3(MS4A1):c.315G>C (p.Glu105Asp)

Gene: MS4A1 (membrane spanning 4-domains A1; plus strand). Cytogenetic location: 11q12.2.
Variant type: single nucleotide variant.
Coding change: c.315G>C on transcript NM_152866.3 (MANE Select); coding-DNA position 315, G replaced by C.
Protein change: p.Glu105Asp; replaces glutamic acid 105 with aspartic acid.
Molecular consequence: missense variant.
Genome position (GRCh38, 1-based): chr11:60,464,323, G>C. VCF-style: chr11-60464323-G-C. GRCh37 (hg19) VCF-style: chr11-60231796-G-C.
Other names: c.315G>C, p.Glu105Asp (NM_021950.4, NM_152867.2); short protein forms E105D.
Identifiers: ClinVar variation 626143 (VCV000626143.6), dbSNP rs267603055, ClinGen allele CA6024948.

ClinVar aggregate classification (germline): Uncertain significance. Review status: criteria provided, multiple submitters, no conflicts (2 of 4 stars). 2 submissions from 2 submitters: Uncertain significance (2). Last evaluated 2025-11-13.

Conditions:
Immunodeficiency, common variable, 5. Also called: ANTIBODY DEFICIENCY DUE TO CD20 DEFECT. Identifiers: Orphanet 1572, MedGen C3150740, MONDO:0013285, OMIM 613495.

Allele frequency attached by ClinVar (database versions not stated): gnomAD 0.00001 and 0.00003; 1000 Genomes Project 0.00020; gnomAD exomes below 0.00001; TOPMed 0.00001; 1000 Genomes Project 30x 0.00031; ExAC 0.00001.
gnomAD v4.1: 1 of 1,612,462 alleles (0.000062%); highest among the groups gnomAD compares: African/African-American, 0.0013%; no homozygotes.

Submissions (2):

Labcorp Genetics (formerly Invitae), Labcorp
Classification: Uncertain significance. Last evaluated: 2025-11-13. Review status: criteria provided, single submitter. Criteria: Invitae Variant Classification Sherloc (09022015). Collection method: clinical testing. Allele origin: germline.
Comment: This sequence change replaces glutamic acid, which is acidic and polar, with aspartic acid, which is acidic and polar, at codon 105 of the MS4A1 protein (p.Glu105Asp). This variant is present in population databases (rs267603055, gnomAD 0.008%). This variant has not been reported in the literature in individuals affected with MS4A1-related conditions. ClinVar contains an entry for this variant (Variation ID: 626143). An algorithm developed to predict the effect of missense changes on protein structure and function outputs the following: PolyPhen-2: "Benign". The aspartic acid amino acid residue is found in multiple mammalian species, which suggests that this missense change does not adversely affect protein function. In summary, the available evidence is currently insufficient to determine the role of this variant in disease. Therefore, it has been classified as a Variant of Uncertain Significance.

Center for Genomics, Ann and Robert H. Lurie Children's Hospital of Chicago
Classification: Uncertain significance for Immunodeficiency, common variable, 5. Last evaluated: 2021-11-23. Review status: criteria provided, single submitter. Criteria: ACMG Guidelines, 2015. Collection method: clinical testing. Allele origin: germline.
Comment: MS4A1 NM_152866 exon 5 p.Glu105Asp (c.315G>C): This variant has not been reported in the literature but is present in 2/2400 African alleles in the Genome Aggregation Database. This variant Aspartic acid (Asp) is present in >5 species; this suggests that this variant may not impact the protein. Additional computational prediction tools do not suggest an impact. In summary, data on this variant is insufficient for disease classification. Therefore, the clinical significance of this variant is uncertain.